The following is an entry in ClinVar:

NM_006944.3(SPP2):c.328T>G (p.Tyr110Asp)

Gene: SPP2 (secreted phosphoprotein 2; plus strand). Cytogenetic location: 2q37.1.
Variant type: single nucleotide variant.
Coding change: c.328T>G on transcript NM_006944.3 (MANE Select); coding-DNA position 328, T replaced by G.
Protein change: p.Tyr110Asp; replaces tyrosine 110 with aspartic acid.
Molecular consequence: missense variant.
Genome position (GRCh38, 1-based): chr2:234,058,953, T>G. VCF-style: chr2-234058953-T-G. GRCh37 (hg19) VCF-style: chr2-234967597-T-G.
Other names: short protein forms Y110D.
Identifiers: ClinVar variation 964394 (VCV000964394.10), dbSNP rs200097563, ClinGen allele CA2183148.

ClinVar aggregate classification (germline): Conflicting classifications of pathogenicity. Review status: criteria provided, conflicting classifications (1 of 4 stars). 4 submissions from 4 submitters: Uncertain significance (2); Likely benign (1). 1 of the submissions does not count toward it. Last evaluated 2026-01-12.

Conditions:
Retinal dystrophy. Also called: Inherited retinal dystrophy. Identifiers: Orphanet 71862, MedGen C0854723, MeSH D058499, MONDO:0019118, HP:0000556.

Allele frequency attached by ClinVar (database versions not stated): gnomAD exomes 0.00051 and 0.00036; ESP Exome Variant Server 0.00015; gnomAD 0.00032 and 0.00034; ExAC 0.00036; TOPMed 0.00036.
gnomAD v4.1: 784 of 1,613,112 alleles (0.049%); highest among the groups gnomAD compares: Non-Finnish European, 0.062%; no homozygotes.

Submissions (4):

Labcorp Genetics (formerly Invitae), Labcorp
Classification: Uncertain significance. Last evaluated: 2026-01-12. Review status: criteria provided, single submitter. Criteria: Invitae Variant Classification Sherloc (09022015). Collection method: clinical testing. Allele origin: germline.
Comment: This sequence change replaces tyrosine, which is neutral and polar, with aspartic acid, which is acidic and polar, at codon 110 of the SPP2 protein (p.Tyr110Asp). This variant is present in population databases (rs200097563, gnomAD 0.07%), and has an allele count higher than expected for a pathogenic variant. This variant has not been reported in the literature in individuals affected with SPP2-related conditions. ClinVar contains an entry for this variant (Variation ID: 964394). An algorithm developed to predict the effect of missense changes on protein structure and function outputs the following: PolyPhen-2: "Benign". The aspartic acid amino acid residue is found in multiple mammalian species, which suggests that this missense change does not adversely affect protein function. In summary, the available evidence is currently insufficient to determine the role of this variant in disease. Therefore, it has been classified as a Variant of Uncertain Significance.

Blueprint Genetics
Classification: Likely benign. Last evaluated: 2024-06-11. Review status: criteria provided, single submitter. Criteria: ACMG Guidelines, 2015. Collection method: clinical testing. Allele origin: germline.

Ambry Genetics
Classification: Uncertain significance. Last evaluated: 2024-01-16. Review status: criteria provided, single submitter. Criteria: Ambry Variant Classification Scheme 2023. Collection method: clinical testing. Allele origin: germline.

Institute of Human Genetics, Univ. Regensburg, Univ. Regensburg
Classification: Uncertain significance for Retinal dystrophy. Last evaluated: 2022-01-01. Review status: no assertion criteria provided. Criteria: ACMG Guidelines, 2015. Collection method: clinical testing. Allele origin: germline. Affected: yes. Not counted in ClinVar's aggregate classification.